The following is an entry in ClinVar:

NM_002295.6(RPSA):c.83C>T (p.Thr28Ile)

Gene: RPSA (ribosomal protein SA; plus strand). Cytogenetic location: 3p22.1.
Variant type: single nucleotide variant.
Coding change: c.83C>T on transcript NM_002295.6 (MANE Select); coding-DNA position 83, C replaced by T.
Protein change: p.Thr28Ile; replaces threonine 28 with isoleucine.
Molecular consequence: missense variant.
Genome position (GRCh38, 1-based): chr3:39,407,736, C>T. VCF-style: chr3-39407736-C-T. GRCh37 (hg19) VCF-style: chr3-39449227-C-T.
Other names: c.83C>T, p.Thr28Ile (NM_001012321.1, NM_001304288.2); short protein forms T28I.
Identifiers: ClinVar variation 2778084 (VCV002778084.3), dbSNP rs1559398426, ClinGen allele CA352209981.

ClinVar aggregate classification (germline): Uncertain significance (1 of 4 stars; one submission).

Allele frequency attached by ClinVar (database versions not stated): gnomAD 0.00001; gnomAD exomes 0.00001; TOPMed 0.00001.
gnomAD v4.1: 12 of 1,596,688 alleles (0.00075%); highest among the groups gnomAD compares: Non-Finnish European, 0.001%; no homozygotes.

Submission:

Labcorp Genetics (formerly Invitae), Labcorp
Classification: Uncertain significance. Last evaluated: 2023-09-07. Review status: criteria provided, single submitter. Criteria: Invitae Variant Classification Sherloc (09022015). Collection method: clinical testing. Allele origin: germline.
Comment: In summary, the available evidence is currently insufficient to determine the role of this variant in disease. Therefore, it has been classified as a Variant of Uncertain Significance. Advanced modeling of protein sequence and biophysical properties (such as structural, functional, and spatial information, amino acid conservation, physicochemical variation, residue mobility, and thermodynamic stability) performed at Invitae indicates that this missense variant is expected to disrupt RPSA protein function. This variant has not been reported in the literature in individuals affected with RPSA-related conditions. This variant is not present in population databases (gnomAD no frequency). This sequence change replaces threonine, which is neutral and polar, with isoleucine, which is neutral and non-polar, at codon 28 of the RPSA protein (p.Thr28Ile).